The following is an entry in ClinVar:

NM_000632.4(ITGAM):c.2027A>G (p.Tyr676Cys)

Gene: ITGAM (integrin subunit alpha M; plus strand). Cytogenetic location: 16p11.2.
Variant type: single nucleotide variant.
Coding change: c.2027A>G on transcript NM_000632.4 (MANE Select); coding-DNA position 2027, A replaced by G.
Protein change: p.Tyr676Cys; replaces tyrosine 676 with cysteine.
Molecular consequence: missense variant.
Genome position (GRCh38, 1-based): chr16:31,324,423, A>G. VCF-style: chr16-31324423-A-G. GRCh37 (hg19) VCF-style: chr16-31335744-A-G.
Other names: c.2030A>G, p.Tyr677Cys (NM_001145808.2); short protein forms Y676C, Y677C.
Identifiers: ClinVar variation 4764594 (VCV004764594.1).
Genomic context (GRCh38, chr16:31,324,423, plus strand): 5'-CAGGCCCCTCACTGCTGTGCCACCCTGTCCCTTCAGGACAGATCCAGAGTGTTGTGACTT[A>G]TGACCTGGCTCTGGACTCCGGCCGCCCACATTCCCGCGCCGTCTTCAATGAGACAAAGAA-3'
Protein context (NP_000623.2, residues 666-686): REGQIQSVVT[Tyr676Cys]DLALDSGRPH

ClinVar aggregate classification (germline): Uncertain significance (1 of 4 stars; one submission).

Submission:

Labcorp Genetics (formerly Invitae), Labcorp
Classification: Uncertain significance. Last evaluated: 2025-04-24. Review status: criteria provided, single submitter. Criteria: Invitae Variant Classification Sherloc (09022015). Collection method: clinical testing. Allele origin: germline.
Comment: This sequence change replaces tyrosine, which is neutral and polar, with cysteine, which is neutral and slightly polar, at codon 676 of the ITGAM protein (p.Tyr676Cys). This variant is not present in population databases (gnomAD no frequency). This variant has not been reported in the literature in individuals affected with ITGAM-related conditions. An algorithm developed to predict the effect of missense changes on protein structure and function (PolyPhen-2) suggests that this variant is likely to be disruptive. In summary, the available evidence is currently insufficient to determine the role of this variant in disease. Therefore, it has been classified as a Variant of Uncertain Significance.